The following is an entry in ClinVar:

NM_015602.4(TOR1AIP1):c.189dup (p.Pro64fs)

Genes: TOR1AIP1 (torsin 1A interacting protein 1; plus strand), LOC112577517 (Sharpr-MPRA regulatory region 13766; plus strand). Cytogenetic location: 1q25.2.
Variant type: Duplication.
Coding change: c.189dup on transcript NM_015602.4 (MANE Select); coding-DNA position 189, one base duplicated (G; older notation c.189dupG).
Protein change: p.Pro64fs; shifts the reading frame from proline 64.
Molecular consequence: frameshift variant.
Genome position (GRCh38, 1-based): chr1:179,882,691, G duplicated. VCF-style (leftmost placement, unchanged base first): chr1-179882690-C-CG. GRCh37 (hg19) VCF-style: chr1-179851825-C-CG.
Other names: c.189dup, p.Pro64fs (NM_001267578.2); short protein forms P64fs.
Identifiers: ClinVar variation 1356611 (VCV001356611.6), dbSNP rs1193188647, ClinGen allele CA891869098.

ClinVar aggregate classification (germline): Pathogenic (1 of 4 stars; one submission).

Conditions:
Autosomal recessive limb-girdle muscular dystrophy type 2Y (MRRSDC). Also called: Muscular dystrophy, limb-girdle, type 2y; Muscular dystrophy, autosomal recessive, with rigid spine and distal joint contractures. Identifiers: Orphanet 424261, MedGen C4511482, MONDO:0014900, OMIM 617072.

Allele frequency attached by ClinVar (database versions not stated): gnomAD exomes below 0.00001.

Submission:

Labcorp Genetics (formerly Invitae), Labcorp
Classification: Pathogenic for Autosomal recessive limb-girdle muscular dystrophy type 2Y. Last evaluated: 2021-07-07. Review status: criteria provided, single submitter. Criteria: Invitae Variant Classification Sherloc (09022015). Collection method: clinical testing. Allele origin: germline.
Comment: This sequence change creates a premature translational stop signal (p.Pro64Alafs*46) in the TOR1AIP1 gene. It is expected to result in an absent or disrupted protein product. Loss-of-function variants in TOR1AIP1 are known to be pathogenic (PMID: 24856141, 27342937). This variant is not present in population databases (ExAC no frequency). For these reasons, this variant has been classified as Pathogenic. This variant has not been reported in the literature in individuals affected with TOR1AIP1-related conditions.

Literature cited by the submitters: PubMed 24856141; PubMed 27342937.